The following is an entry in ClinVar:

ClinVar aggregate classification (germline): Uncertain significance (1 of 4 stars; one submission).

Allele frequency attached by ClinVar (database versions not stated): gnomAD 0.00001; TOPMed 0.00001.
gnomAD v4.1: 13 of 1,613,964 alleles (0.00081%); highest among the groups gnomAD compares: Non-Finnish European, 0.0011%; no homozygotes.

Submission:

Labcorp Genetics (formerly Invitae), Labcorp
Classification: Uncertain significance. Last evaluated: 2021-06-29. Review status: criteria provided, single submitter. Criteria: Invitae Variant Classification Sherloc (09022015). Collection method: clinical testing. Allele origin: germline.
Comment: This sequence change replaces threonine with proline at codon 1774 of the CACNA1D protein (p.Thr1774Pro). The threonine residue is moderately conserved and there is a small physicochemical difference between threonine and proline. This variant is not present in population databases (ExAC no frequency). This variant has not been reported in the literature in individuals affected with CACNA1D-related conditions. Algorithms developed to predict the effect of missense changes on protein structure and function are either unavailable or do not agree on the potential impact of this missense change (SIFT: "Deleterious"; PolyPhen-2: "Benign"; Align-GVGD: "Class C0"). In summary, the available evidence is currently insufficient to determine the role of this variant in disease. Therefore, it has been classified as a Variant of Uncertain Significance.

NM_001128840.3(CACNA1D):c.5260A>C (p.Thr1754Pro)

Gene: CACNA1D (calcium voltage-gated channel subunit alpha1 D; plus strand). Cytogenetic location: 3p21.1.
Variant type: single nucleotide variant.
Coding change: c.5260A>C on transcript NM_001128840.3 (MANE Select); coding-DNA position 5260, A replaced by C.
Protein change: p.Thr1754Pro; replaces threonine 1754 with proline.
Molecular consequence: missense variant.
Genome position (GRCh38, 1-based): chr3:53,801,277, A>C. VCF-style: chr3-53801277-A-C. GRCh37 (hg19) VCF-style: chr3-53835304-A-C.
Other names: c.5320A>C, p.Thr1774Pro (NM_000720.4); c.5215A>C, p.Thr1739Pro (NM_001128839.3); short protein forms T1754P, T1774P, T1739P.
Identifiers: ClinVar variation 1444610 (VCV001444610.8), dbSNP rs1208619389, ClinGen allele CA353250831.
Genomic context (GRCh38, chr3:53,801,277, plus strand): 5'-AATTCGGTGTGTCATAACCATCATAACCATAATTCCATAGGAAAGCAAGTTCCCACCTCA[A>C]CAAATGCCAATCTCAATAATGCCAATATGTCCAAAGCTGCCCATGGAAAGCGGCCCAGCA-3'
Protein context (NP_001122312.1, residues 1744-1764): NSIGKQVPTS[Thr1754Pro]NANLNNANMS